The following is an entry in ClinVar:

NM_001966.4(EHHADH):c.1718A>G (p.Gln573Arg)

Gene: EHHADH (enoyl-CoA hydratase and 3-hydroxyacyl CoA dehydrogenase; minus strand). Cytogenetic location: 3q27.2.
Variant type: single nucleotide variant.
Coding change: c.1718A>G on transcript NM_001966.4 (MANE Select); coding-DNA position 1718, A replaced by G.
Protein change: p.Gln573Arg; replaces glutamine 573 with arginine.
Molecular consequence: missense variant.
Genome position (GRCh38, 1-based): chr3:185,192,680, T>C on the plus strand (A>G on the coding strand, the complement: EHHADH is on the minus strand). VCF-style: chr3-185192680-T-C. GRCh37 (hg19) VCF-style: chr3-184910468-T-C.
Other names: c.1430A>G, p.Gln477Arg (NM_001166415.2); short protein forms Q477R, Q573R.
Identifiers: ClinVar variation 4994643 (VCV004994643.1).

ClinVar aggregate classification (germline): Uncertain significance (1 of 4 stars; one submission).

Conditions:
EHHADH-related disorder. Also called: EHHADH-related condition.

Submission:

PreventionGenetics, part of Exact Sciences
Classification: Uncertain significance for EHHADH-related condition. Last evaluated: 2026-07-15. Review status: criteria provided, single submitter. Criteria: ACMG Guidelines, 2015. Collection method: clinical testing. Allele origin: germline.
Comment: The EHHADH c.1718A>G variant is predicted to result in the amino acid substitution p.Gln573Arg. To our knowledge, this variant has not been reported in the literature. This variant is reported in 0.00088% of alleles in individuals of European (Non-Finnish) descent in gnomAD. At this time, the clinical significance of this variant is uncertain due to the absence of conclusive functional and genetic evidence.